The following is an entry in ClinVar:

NM_032888.4(COL27A1):c.966G>T (p.Leu322=)

Gene: COL27A1 (collagen type XXVII alpha 1 chain; plus strand). Cytogenetic location: 9q32.
Variant type: single nucleotide variant.
Coding change: c.966G>T on transcript NM_032888.4 (MANE Select); coding-DNA position 966, G replaced by T.
Protein change: p.Leu322=; no amino-acid change (leucine 322 retained).
Molecular consequence: synonymous variant.
Genome position (GRCh38, 1-based): chr9:114,168,521, G>T. VCF-style: chr9-114168521-G-T. GRCh37 (hg19) VCF-style: chr9-116930801-G-T.
Identifiers: ClinVar variation 3053403 (VCV003053403.2), dbSNP rs2490562946, ClinGen allele CA466910039.
Genomic context (GRCh38, chr9:114,168,521, plus strand): 5'-GACTAGCCCCACAAACCCTCACCAGCATATGGCGGTGGGAGGCCCAGCCCAAACCCCGCT[G>T]CTACCTGCCAAGCTGTCAGCCAGTAACGCACTTGATCCCATGCTCCCAGCCTCTGTTGGC-3'
Protein context (NP_116277.2, residues 312-332): MAVGGPAQTP[Leu322=]LPAKLSASNA

ClinVar aggregate classification (germline): Likely benign (0 of 4 stars; one submission).

Conditions:
COL27A1-related disorder. Also called: COL27A1-related condition.

Submission:

PreventionGenetics, part of Exact Sciences
Classification: Likely benign for COL27A1-related condition. Last evaluated: 2019-08-14. Review status: no assertion criteria provided. Collection method: clinical testing. Allele origin: germline.
Comment: This variant is classified as likely benign based on ACMG/AMP sequence variant interpretation guidelines (Richards et al. 2015 PMID: 25741868, with internal and published modifications).